The following is an entry in ClinVar:

ClinVar aggregate classification (germline): Likely benign (1 of 4 stars; one submission).

Conditions:
Marfan syndrome (MFS). Also called: MARFAN SYNDROME, TYPE I; Marfan syndrome type 1; Marfan's syndrome; Marfan syndrome, classic; FBN1-Related Marfan Syndrome. Identifiers: Orphanet 284963, Orphanet 558, MedGen C0024796, MONDO:0007947, OMIM 154700.

Submission:

All of Us Research Program, National Institutes of Health
Classification: Likely benign for Marfan syndrome. Last evaluated: 2023-11-02. Review status: criteria provided, single submitter. Criteria: ACMG Guidelines, 2015. Collection method: clinical testing. Allele origin: germline. Inheritance: Autosomal dominant inheritance. Observed: 1 variant allele, 1 heterozygote.
Comment: This study involves interpretation of variants in research participants for the purpose of population health screening. Participant phenotype was not available at the time of variant classification. Additional details can be found in publication PMID: 35346344, PMCID: PMC8962531

NM_000138.5(FBN1):c.42C>G (p.Thr14=)

Genes: FBN1 (fibrillin 1; minus strand), LOC130057019 (ATAC-STARR-seq lymphoblastoid silent region 6417; plus strand). Cytogenetic location: 15q21.1.
Variant type: single nucleotide variant.
Coding change: c.42C>G on transcript NM_000138.5 (MANE Select); coding-DNA position 42, C replaced by G.
Protein change: p.Thr14=; no amino-acid change (threonine 14 retained).
Molecular consequence: synonymous variant.
Genome position (GRCh38, 1-based): chr15:48,644,728, G>C on the plus strand (C>G on the coding strand, the complement: FBN1 is on the minus strand). VCF-style: chr15-48644728-G-C. GRCh37 (hg19) VCF-style: chr15-48936925-G-C.
Other names: c.42C>G, p.Thr14= (NM_001406716.1, NM_001406717.1, NM_001406718.1).
Identifiers: ClinVar variation 3074277 (VCV003074277.1), dbSNP rs1405903278, ClinGen allele CA490090849.